The following is an entry in ClinVar:

ClinVar aggregate classification (germline): Pathogenic (1 of 4 stars; one submission).

Conditions:
Hereditary hemorrhagic telangiectasia (HHT). Also called: ORW DISEASE; Osler Weber Rendu syndrome; OSLER-RENDU-WEBER DISEASE; Osler hemorrhagic telangiectasia syndrome. Identifiers: Orphanet 774, MedGen C0039445, MONDO:0019180. Disease mechanism: loss of function.

Submission:

Labcorp Genetics (formerly Invitae), Labcorp
Classification: Pathogenic for Hereditary hemorrhagic telangiectasia. Last evaluated: 2024-05-06. Review status: criteria provided, single submitter. Criteria: Invitae Variant Classification Sherloc (09022015). Collection method: clinical testing. Allele origin: germline.
Comment: This sequence change creates a premature translational stop signal (p.Ser411Alafs*10) in the ENG gene. It is expected to result in an absent or disrupted protein product. Loss-of-function variants in ENG are known to be pathogenic (PMID: 15879500). This variant is not present in population databases (gnomAD no frequency). This variant has not been reported in the literature in individuals affected with ENG-related conditions. For these reasons, this variant has been classified as Pathogenic.

Literature cited by the submitters: PubMed 15879500.

NM_001114753.3(ENG):c.1230del (p.Ser411fs)

Genes: ENG (endoglin; minus strand), LOC102723566 (uncharacterized LOC102723566; plus strand). Cytogenetic location: 9q34.11.
Variant type: Deletion.
Coding change: c.1230del on transcript NM_001114753.3 (MANE Select); coding-DNA position 1230, one base deleted (C; older notation c.1230delC).
Protein change: p.Ser411fs; shifts the reading frame from serine 411.
Molecular consequence: frameshift variant.
Genome position (GRCh38, 1-based): chr9:127,819,942, G deleted on the plus strand (C on the coding strand, the reverse complement: ENG is on the minus strand); the first of 2 consecutive G bases (chr9:127,819,942-127,819,943); deleting either gives the same sequence. VCF-style (leftmost placement, unchanged base first): chr9-127819941-TG-T. GRCh37 (hg19) VCF-style: chr9-130582220-TG-T.
Other names: c.1230del, p.Ser411fs (NM_000118.4); c.684del, p.Ser229fs (NM_001278138.2); short protein forms S229fs, S411fs.
Identifiers: ClinVar variation 3652337 (VCV003652337.2).